The following is an entry in ClinVar:

NM_003289.4(TPM2):c.773-2dup

Gene: TPM2 (tropomyosin 2; minus strand). Cytogenetic location: 9p13.3.
Variant type: Duplication.
Coding change: c.773-2dup on transcript NM_003289.4 (MANE Select); the canonical splice acceptor site of the intron before coding-DNA position 773, one base duplicated (A; older notation c.773-2dupA).
Molecular consequence: splice acceptor variant. On other transcripts: intron variant (2).
Genome position (GRCh38, 1-based): chr9:35,683,243, T duplicated on the plus strand (A on the coding strand, the reverse complement: TPM2 is on the minus strand). VCF-style (leftmost placement, unchanged base first): chr9-35683242-C-CT. GRCh37 (hg19) VCF-style: chr9-35683239-C-CT.
Other names: c.772+1003dup (NM_213674.1, NM_001301226.2); c.773-2dup (NM_001301227.2).
Identifiers: ClinVar variation 4698193 (VCV004698193.1).
Genomic context (GRCh38, chr9:35,683,242, plus strand): 5'-GTGCGTTGTCCAGTTCCTCGCTAATGGCCTTGTACTTCATCTTCTGGGCATAGACTTCAT[C>CT]TGGGGGGGGTCCAGGGAGGGGACCAGGTGGGAGTGTGGGAAAGGGAGTGGAGGGAAAGAG-3'

ClinVar aggregate classification (germline): Uncertain significance (1 of 4 stars; one submission).

Conditions:
Arthrogryposis, distal, type 1A. Also called: ARTHROGRYPOSIS MULTIPLEX CONGENITA, DISTAL, TYPE I. Identifiers: Orphanet 1146, MedGen C6022280, MONDO:0007157, OMIM 108120.

Submission:

Labcorp Genetics (formerly Invitae), Labcorp
Classification: Uncertain significance for Arthrogryposis, distal, type 1A. Last evaluated: 2025-02-17. Review status: criteria provided, single submitter. Criteria: Invitae Variant Classification Sherloc (09022015). Collection method: clinical testing. Allele origin: germline.
Comment: This sequence change falls in intron 8 of the TPM2 gene. It does not directly change the encoded amino acid sequence of the TPM2 protein. It affects a nucleotide within the consensus splice site. This variant is present in population databases (rs35401252, gnomAD 0.005%). This variant has not been reported in the literature in individuals affected with TPM2-related conditions. Variants that disrupt the consensus splice site are a relatively common cause of aberrant splicing (PMID: 17576681, 9536098). Algorithms developed to predict the effect of sequence changes on RNA splicing suggest that this variant may disrupt the consensus splice site. In summary, the available evidence is currently insufficient to determine the role of this variant in disease. Therefore, it has been classified as a Variant of Uncertain Significance.

Literature cited by the submitters: PubMed 17576681; PubMed 9536098.